The following is an entry in ClinVar:

NM_000795.4(DRD2):c.1043A>G (p.Asn348Ser)

Gene: DRD2 (dopamine receptor D2; minus strand). Cytogenetic location: 11q23.2.
Variant type: single nucleotide variant.
Coding change: c.1043A>G on transcript NM_000795.4 (MANE Select); coding-DNA position 1043, A replaced by G.
Protein change: p.Asn348Ser; replaces asparagine 348 with serine.
Molecular consequence: missense variant.
Genome position (GRCh38, 1-based): chr11:113,412,651, T>C on the plus strand (A>G on the coding strand, the complement: DRD2 is on the minus strand). VCF-style: chr11-113412651-T-C. GRCh37 (hg19) VCF-style: chr11-113283373-T-C.
Other names: c.956A>G, p.Asn319Ser (NM_016574.4); short protein forms N319S, N348S.
Identifiers: ClinVar variation 3025731 (VCV003025731.22), dbSNP rs143779712, ClinGen allele CA6281206.

ClinVar aggregate classification (germline): Uncertain significance (1 of 4 stars; one submission).

Allele frequency attached by ClinVar (database versions not stated): gnomAD exomes 0.00002; ExAC 0.00003; TOPMed 0.00003; gnomAD 0.00004; ESP Exome Variant Server 0.00008; 1000 Genomes Project 30x 0.00016; 1000 Genomes Project 0.00020.
gnomAD v4.1: 30 of 1,614,192 alleles (0.0019%); highest among the groups gnomAD compares: African/African-American, 0.0067%; no homozygotes.

Submission:

CeGaT Center for Human Genetics Tuebingen
Classification: Uncertain significance. Last evaluated: 2024-02-01. Review status: criteria provided, single submitter. Criteria: CeGaT Center For Human Genetics Tuebingen Variant Classification Criteria Version 2. Collection method: clinical testing. Allele origin: germline. Affected: yes. Observed: 1 variant allele.
Comment: DRD2: PM2:Supporting, BP4